The following is an entry in ClinVar:

ClinVar aggregate classification (germline): Conflicting classifications of pathogenicity. Review status: criteria provided, conflicting classifications (1 of 4 stars). 6 submissions from 6 submitters: Uncertain significance (5); Likely benign (1). Last evaluated 2026-08-22.

Conditions:
Autosomal recessive limb-girdle muscular dystrophy type 2J (LGMDR10). Also called: Limb-girdle muscular dystrophy, type 2J; MUSCULAR DYSTROPHY, LIMB-GIRDLE, AUTOSOMAL RECESSIVE 10. Identifiers: Orphanet 140922, MedGen C1837342, MONDO:0012127, OMIM 608807.
Dilated cardiomyopathy 1G (CMD1G). Identifiers: Orphanet 154, MedGen C1858763, MONDO:0011400, OMIM 604145.
Cardiomyopathy (CMYO). Also called: Cardiomyopathies. Identifiers: Orphanet 167848, MedGen C0878544, MONDO:0004994, HP:0001638. Inheritance: Various modes of inheritance.

Allele frequency attached by ClinVar (database versions not stated): gnomAD 0.00001; gnomAD exomes 0.00001 and 0.00002; ExAC 0.00002; TOPMed 0.00003.
gnomAD v4.1: 18 of 1,613,474 alleles (0.0011%); highest among the groups gnomAD compares: Middle Eastern, 0.033%; no homozygotes.

Submissions (6):

GeneDx
Classification: Uncertain significance. Last evaluated: 2026-08-22. Review status: criteria provided, single submitter. Criteria: GeneDx Variant Classification Process June 2021. Collection method: clinical testing. Allele origin: germline.
Comment: Not observed at significant frequency in large population cohorts (gnomAD); Missense variant in a gene in which most reported pathogenic variants are truncating/loss of function; Has not been previously published as pathogenic or benign to our knowledge

Blueprint Genetics
Classification: Likely benign. Last evaluated: 2024-06-25. Review status: criteria provided, single submitter. Criteria: ACMG Guidelines, 2015. Collection method: clinical testing. Allele origin: germline.

Revvity Omics, Revvity
Classification: Uncertain significance. Last evaluated: 2023-12-28. Review status: criteria provided, single submitter. Criteria: ACMG Guidelines, 2015. Collection method: clinical testing. Allele origin: germline.

Women's Health and Genetics/Laboratory Corporation of America, LabCorp
Classification: Uncertain significance. Last evaluated: 2021-04-15. Review status: criteria provided, single submitter. Criteria: LabCorp Variant Classification Summary - May 2015. Collection method: clinical testing. Allele origin: germline.
Comment: Variant summary: TTN c.13547C>T (p.Thr4516Met) results in a non-conservative amino acid change located in the I-band domain of the encoded protein sequence. Three of five in-silico tools predict a damaging effect of the variant on protein function. The variant allele was found at a frequency of 1.6e-05 in 248302 control chromosomes (gnomAD). The available data on variant occurrences in the general population are insufficient to allow any conclusion about variant significance. To our knowledge, no occurrence of c.13547C>T in individuals affected with Dilated Cardiomyopathy and no experimental evidence demonstrating its impact on protein function have been reported. Two ClinVar submitters (evaluation after 2014) cite the variant as uncertain significance. Based on the evidence outlined above, the variant was classified as uncertain significance.

Labcorp Genetics (formerly Invitae), Labcorp
Classification: Uncertain significance for Dilated cardiomyopathy 1G; Autosomal recessive limb-girdle muscular dystrophy type 2J. Last evaluated: 2017-08-24. Review status: criteria provided, single submitter. Criteria: Invitae Variant Classification Sherloc (09022015). Collection method: clinical testing. Allele origin: germline.

CHEO Genetics Diagnostic Laboratory, Children's Hospital of Eastern Ontario
Classification: Uncertain significance for Cardiomyopathy. Last evaluated: 2017-08-08. Review status: criteria provided, single submitter. Criteria: ACMG Guidelines, 2015. Collection method: clinical testing. Allele origin: germline. Study: Canadian Open Genetics Repository.

NM_001267550.2(TTN):c.17279C>T (p.Thr5760Met)

Genes: TTN (titin; minus strand), LOC126806431 (CDK7 strongly-dependent group 2 enhancer GRCh37_chr2:179595719-179596918; plus strand). Cytogenetic location: 2q31.2.
Variant type: single nucleotide variant.
Coding change: c.17279C>T on transcript NM_001267550.2 (MANE Select); coding-DNA position 17279, C replaced by T.
Protein change: p.Thr5760Met; replaces threonine 5760 with methionine.
Molecular consequence: missense variant. On other transcripts: intron variant (3).
Genome position (GRCh38, 1-based): chr2:178,731,487, G>A on the plus strand (C>T on the coding strand, the complement: TTN is on the minus strand). VCF-style: chr2-178731487-G-A. GRCh37 (hg19) VCF-style: chr2-179596214-G-A.
Other names: c.17279C>T (NM_001267550.1); c.16328C>T, p.Thr5443Met (NM_001256850.1); c.13547C>T, p.Thr4516Met (NM_133378.4); c.13282+6595C>T (NM_003319.4); c.13858+6595C>T (NM_133437.4); c.13657+6595C>T (NM_133432.3); short protein forms T5760M, T5443M, T4516M.
Identifiers: ClinVar variation 404814 (VCV000404814.12), dbSNP rs770310501, ClinGen allele CA2001866.